The following is an entry in ClinVar:

NM_181552.4(CUX1):c.3169C>T (p.Pro1057Ser)

Gene: CUX1 (cut like homeobox 1; plus strand). Cytogenetic location: 7q22.1.
Variant type: single nucleotide variant.
Coding change: c.3169C>T on transcript NM_181552.4 (MANE Select); coding-DNA position 3169, C replaced by T.
Protein change: p.Pro1057Ser; replaces proline 1057 with serine.
Molecular consequence: missense variant. On other transcripts: intron variant (5).
Genome position (GRCh38, 1-based): chr7:102,227,405, C>T. VCF-style: chr7-102227405-C-T. GRCh37 (hg19) VCF-style: chr7-101870685-C-T.
Other names: c.3202C>T, p.Pro1068Ser (NM_001202543.2); c.1255+31802C>T (NM_001913.5); c.1249+31802C>T (NM_181500.4); c.1117+31802C>T (NM_001202545.3); c.1207+31802C>T (NM_001202544.3); c.1138+31802C>T (NM_001202546.3); short protein forms P1057S, P1068S.
Identifiers: ClinVar variation 2662603 (VCV002662603.2), dbSNP rs2485982652, ClinGen allele CA368693435.
Genomic context (GRCh38, chr7:102,227,405, plus strand): 5'-TTCTCGTGTGCTTTAATTACAGAAAGCACTCCAAAGACCTCCGCCAGCTGCAGCCCTGCC[C>T]CTGAGTCCCCGATGAGTTCCAGTGAGTCGGTGAAGAGCCTGACCGAGCTGGTCCAGCAGC-3'
Protein context (NP_853530.2, residues 1047-1067): PKTSASCSPA[Pro1057Ser]ESPMSSSESV

ClinVar aggregate classification (germline): Uncertain significance (1 of 4 stars; one submission).

Submission:

GeneDx
Classification: Uncertain significance. Last evaluated: 2025-10-31. Review status: criteria provided, single submitter. Criteria: GeneDx Variant Classification Process June 2021. Collection method: clinical testing. Allele origin: germline.
Comment: Not observed at significant frequency in large population cohorts (gnomAD); In silico analysis supports that this missense variant has a deleterious effect on protein structure/function; Has not been previously published as pathogenic or benign to our knowledge